The following is an entry in ClinVar:

NM_000051.4(ATM):c.1547_1550delinsA (p.Leu516_Val517delinsTyr)

Gene: ATM (ATM serine/threonine kinase; plus strand). Cytogenetic location: 11q22.3.
Variant type: Indel.
Coding change: c.1547_1550delinsA on transcript NM_000051.4 (MANE Select); coding-DNA positions 1547 to 1550, TAGT replaced by A.
Protein change: p.Leu516_Val517delinsTyr.
Molecular consequence: inframe indel.
Genome position (GRCh38, 1-based): chr11:108,251,012-108,251,015, TAGT replaced by A. VCF-style: chr11-108251012-TAGT-A. GRCh37 (hg19) VCF-style: chr11-108121739-TAGT-A.
Other names: c.1547_1550delinsA, p.Leu516_Val517delinsTyr (NM_001351834.2).
Identifiers: ClinVar variation 524234 (VCV000524234.4), dbSNP rs1555071174, ClinGen allele CA658797788.

ClinVar aggregate classification (germline): Uncertain significance (1 of 4 stars; one submission).

Conditions:
Ataxia-telangiectasia syndrome (AT). Also called: ATAXIA-TELANGIECTASIA, COMPLEMENTATION GROUP A; ATAXIA-TELANGIECTASIA, FRESNO VARIANT; Ataxia-telangiectasia; Ataxia-telangiectasia, complementation group D; AT, COMPLEMENTATION GROUP C; Ataxia-telangiectasia, complementation group E. Identifiers: Orphanet 100, MedGen C0004135, MONDO:0008840, OMIM 208900.

Submission:

Labcorp Genetics (formerly Invitae), Labcorp
Classification: Uncertain significance for Ataxia-telangiectasia syndrome. Last evaluated: 2024-03-06. Review status: criteria provided, single submitter. Criteria: Invitae Variant Classification Sherloc (09022015). Collection method: clinical testing. Allele origin: germline.
Comment: This variant, c.1547_1550delinsA, is a complex sequence change that results in the deletion of 2 amino acids and insertion of 1 amino acid(s) in the ATM protein (p.Leu516_Val517delinsTyr). This variant is not present in population databases (gnomAD no frequency). This variant has not been reported in the literature in individuals affected with ATM-related conditions. Experimental studies and prediction algorithms are not available or were not evaluated, and the functional significance of this variant is currently unknown. Experimental studies and prediction algorithms are not available or were not evaluated, and the effect of this variant on mRNA splicing is currently unknown. In summary, the available evidence is currently insufficient to determine the role of this variant in disease. Therefore, it has been classified as a Variant of Uncertain Significance.